The following is an entry in ClinVar:

ClinVar aggregate classification (germline): Uncertain significance. Review status: criteria provided, multiple submitters, no conflicts (2 of 4 stars). 2 submissions from 2 submitters: Uncertain significance (2). Last evaluated 2025-06-09.

Allele frequency attached by ClinVar (database versions not stated): gnomAD exomes below 0.00001 and 0.00001; ExAC 0.00001; gnomAD 0.00002; ESP Exome Variant Server 0.00008.
gnomAD v4.1: 7 of 1,609,256 alleles (0.00043%); highest among the groups gnomAD compares: African/African-American, 0.004%; no homozygotes.

Submissions (2):

GeneDx
Classification: Uncertain significance. Last evaluated: 2025-06-09. Review status: criteria provided, single submitter. Criteria: GeneDx Variant Classification Process June 2021. Collection method: clinical testing. Allele origin: germline. Affected: yes.
Comment: Not observed at significant frequency in large population cohorts (gnomAD); In silico analysis suggests that this missense variant does not alter protein structure/function; Has not been previously published as pathogenic or benign to our knowledge

Labcorp Genetics (formerly Invitae), Labcorp
Classification: Uncertain significance. Last evaluated: 2022-02-09. Review status: criteria provided, single submitter. Criteria: Invitae Variant Classification Sherloc (09022015). Collection method: clinical testing. Allele origin: germline.
Comment: This sequence change replaces isoleucine, which is neutral and non-polar, with valine, which is neutral and non-polar, at codon 214 of the PCDH15 protein (p.Ile214Val). This variant is present in population databases (rs375868631, gnomAD 0.004%). This variant has not been reported in the literature in individuals affected with PCDH15-related conditions. Algorithms developed to predict the effect of missense changes on protein structure and function output the following: SIFT: "Tolerated"; PolyPhen-2: "Benign"; Align-GVGD: "Class C0". The valine amino acid residue is found in multiple mammalian species, which suggests that this missense change does not adversely affect protein function. In summary, the available evidence is currently insufficient to determine the role of this variant in disease. Therefore, it has been classified as a Variant of Uncertain Significance.

NM_001384140.1(PCDH15):c.640A>G (p.Ile214Val)

Gene: PCDH15 (protocadherin related 15; minus strand). Cytogenetic location: 10q21.1.
Variant type: single nucleotide variant.
Coding change: c.640A>G on transcript NM_001384140.1 (MANE Select); coding-DNA position 640, A replaced by G.
Protein change: p.Ile214Val; replaces isoleucine 214 with valine.
Molecular consequence: missense variant. On other transcripts: intron variant (1).
Genome position (GRCh38, 1-based): chr10:54,329,661, T>C on the plus strand (A>G on the coding strand, the complement: PCDH15 is on the minus strand). VCF-style: chr10-54329661-T-C. GRCh37 (hg19) VCF-style: chr10-56089421-T-C.
Other names: c.655A>G, p.Ile219Val (NM_001142763.2, NM_001142769.4, NM_001142771.2); c.640A>G, p.Ile214Val (NM_001142764.2, NM_001142765.2, NM_001142766.2 and 7 more transcripts); c.574A>G, p.Ile192Val (NM_001142768.2, NM_001142773.2, NM_001354404.2); c.595-12220A>G (NM_001142767.2); short protein forms I192V, I214V, I219V.
Identifiers: ClinVar variation 1414810 (VCV001414810.6), dbSNP rs375868631, ClinGen allele CA5506636.